The following is an entry in ClinVar:

NM_002878.4(RAD51D):c.666A>C (p.Glu222Asp)

Genes: RAD51D (RAD51 paralog D; minus strand), RAD51L3-RFFL (RAD51L3-RFFL readthrough; minus strand). Cytogenetic location: 17q12.
Variant type: single nucleotide variant.
Coding change: c.666A>C on transcript NM_002878.4 (MANE Select); coding-DNA position 666, A replaced by C.
Protein change: p.Glu222Asp; replaces glutamic acid 222 with aspartic acid.
Molecular consequence: missense variant. On other transcripts: non-coding transcript variant (3).
Genome position (GRCh38, 1-based): chr17:35,103,455, T>G on the plus strand (A>C on the coding strand, the complement: RAD51D is on the minus strand). VCF-style: chr17-35103455-T-G. GRCh37 (hg19) VCF-style: chr17-33430474-T-G.
Other names: c.726A>C, p.Glu242Asp (NM_001142571.2); c.330A>C, p.Glu110Asp (NM_133629.3); short protein forms E242D, E222D, E110D.
Identifiers: ClinVar variation 3641813 (VCV003641813.2).
Genomic context (GRCh38, chr17:35,103,455, plus strand): 5'-TCCAGAGCTGGGAGGCGAGGTCACATTCCACTGGCCCCAGGCTCTGCCACATCACTCACC[T>G]TCCCTCTGCTGACCTCCCAGAAGTGGGGAAACCACCGCAGTGACCGAGTCCACAACCACC-3'
Protein context (NP_002869.3, residues 212-232): VSPLLGGQQR[Glu222Asp]GLALMMQLAR

ClinVar aggregate classification (germline): Uncertain significance (1 of 4 stars; one submission).

Conditions:
Breast-ovarian cancer, familial, susceptibility to, 4. Identifiers: Orphanet 145, MedGen C3280345, MONDO:0013669, OMIM 614291.

Submission:

Labcorp Genetics (formerly Invitae), Labcorp
Classification: Uncertain significance for Breast-ovarian cancer, familial, susceptibility to, 4. Last evaluated: 2024-02-18. Review status: criteria provided, single submitter. Criteria: Invitae Variant Classification Sherloc (09022015). Collection method: clinical testing. Allele origin: germline.
Comment: This sequence change replaces glutamic acid, which is acidic and polar, with aspartic acid, which is acidic and polar, at codon 222 of the RAD51D protein (p.Glu222Asp). This variant is not present in population databases (gnomAD no frequency). This variant has not been reported in the literature in individuals affected with RAD51D-related conditions. An algorithm developed to predict the effect of missense changes on protein structure and function (PolyPhen-2) suggests that this variant is likely to be tolerated. In summary, the available evidence is currently insufficient to determine the role of this variant in disease. Therefore, it has been classified as a Variant of Uncertain Significance.